The following is an entry in ClinVar:

NM_014251.3(SLC25A13):c.2T>A (p.Met1Lys)

Genes: SLC25A13 (solute carrier family 25 member 13; minus strand), LOC129998833 (ATAC-STARR-seq lymphoblastoid silent region 18384; plus strand). Cytogenetic location: 7q21.3.
Variant type: single nucleotide variant.
Coding change: c.2T>A on transcript NM_014251.3 (MANE Select); coding-DNA position 2, T replaced by A.
Protein change: p.Met1Lys; changes the start codon (methionine 1).
Molecular consequence: missense variant, initiator codon variant. On other transcripts: non-coding transcript variant (1).
Genome position (GRCh38, 1-based): chr7:96,321,955, A>T on the plus strand (T>A on the coding strand, the complement: SLC25A13 is on the minus strand). VCF-style: chr7-96321955-A-T. GRCh37 (hg19) VCF-style: chr7-95951267-A-T.
Other names: c.2T>A, p.Met1Lys (NM_001160210.2); c.2T>A (NM_014251.2); short protein forms M1K.
Identifiers: ClinVar variation 593931 (VCV000593931.8), dbSNP rs541276426, ClinGen allele CA368408158.

ClinVar aggregate classification (germline): Conflicting classifications of pathogenicity. Review status: criteria provided, conflicting classifications (1 of 4 stars). 3 submissions from 3 submitters: Likely pathogenic (2); Uncertain significance (1). Last evaluated 2025-11-24.

Conditions:
Citrullinemia. Identifiers: Orphanet 187, MedGen C0175683, MONDO:0015991.
Neonatal intrahepatic cholestasis due to citrin deficiency (CDNI). Also called: Neonatal-onset citrullinemia type II; Neonatal-onset citrullinemia type 2; CITRIN DEFICIENCY, NEONATAL OR INFANTILE ONSET; Neonatal Intrahepatic Cholestasis Caused by Citrin Deficiency (NICCD). Identifiers: Orphanet 247598, MedGen C1853942, MONDO:0011601, OMIM 605814.
Citrullinemia, type II, adult-onset (CDAA). Also called: CITRIN DEFICIENCY, ADOLESCENT OR ADULT ONSET. Identifiers: Orphanet 247585, MedGen CN295299, MONDO:0011326, OMIM 603471.

Submissions (3):

Natera, Inc.
Classification: Likely pathogenic for Citrullinemia. Last evaluated: 2025-11-24. Review status: criteria provided, single submitter. Criteria: Natera Variant Classification Schema (03/2026). Collection method: clinical testing. Allele origin: germline.
Comment: The c.2T>A variant in SLC25A13 is predicted to result in start loss due to disruption of the initiator methionine. This variant is expected to result in nonsense mediated decay, truncation, or a dysfunctional protein product. This variant is rare in the general population with a frequency below the threshold expected for the associated phenotype(s). Given the available evidence, this variant is classified as Likely Pathogenic.

Fulgent Genetics
Classification: Likely pathogenic for Citrullinemia, type II, adult-onset; Neonatal intrahepatic cholestasis due to citrin deficiency. Last evaluated: 2024-06-17. Review status: criteria provided, single submitter. Criteria: ACMG Guidelines, 2015. Collection method: clinical testing. Allele origin: germline.

Eurofins Ntd Llc (ga)
Classification: Uncertain significance. Last evaluated: 2017-09-07. Review status: criteria provided, single submitter. Criteria: EGL Classification Definitions 2015. Collection method: clinical testing. Allele origin: germline. Observed: 1 variant allele, 1 heterozygote.